The following is an entry in ClinVar:

NM_015404.4(WHRN):c.1698+253_1698+254insTGACTT

Gene: WHRN (whirlin; minus strand). Cytogenetic location: 9q32.
Variant type: Insertion.
Coding change: c.1698+253_1698+254insTGACTT on transcript NM_015404.4 (MANE Select); bases 253 to 254 of the intron after coding-DNA position 1698, TGACTT inserted.
Molecular consequence: intron variant.
Genome position: GRCh38 VCF-style: chr9-114407693-G-GGTCAAA. GRCh37 (hg19) VCF-style: chr9-117169973-G-GGTCAAA.
Other names: c.1698+253_1698+254insTGACTT (NM_001173425.2); c.549+253_549+254insTGACTT (NM_001083885.3); c.645+253_645+254insTGACTT (NM_001346890.1).
Identifiers: ClinVar variation 671522 (VCV000671522.1), dbSNP rs56699228, ClinGen allele CA198650761.

ClinVar aggregate classification (germline): Benign (1 of 4 stars; one submission).

Submission:

GeneDx
Classification: Benign. Last evaluated: 2018-06-14. Review status: criteria provided, single submitter. Criteria: GeneDx Variant Classification (06012015). Collection method: clinical testing. Allele origin: germline. Affected: yes.
Comment: This variant is considered likely benign or benign based on one or more of the following criteria: it is a conservative change, it occurs at a poorly conserved position in the protein, it is predicted to be benign by multiple in silico algorithms, and/or has population frequency not consistent with disease.